The following is an entry in ClinVar:

NM_004364.5(CEBPA):c.802G>T (p.Gly268Cys)

Gene: CEBPA (CCAAT enhancer binding protein alpha; minus strand). Cytogenetic location: 19q13.11.
Variant type: single nucleotide variant.
Coding change: c.802G>T on transcript NM_004364.5 (MANE Select); coding-DNA position 802, G replaced by T.
Protein change: p.Gly268Cys; replaces glycine 268 with cysteine.
Molecular consequence: missense variant.
Genome position (GRCh38, 1-based): chr19:33,301,613, C>A on the plus strand (G>T on the coding strand, the complement: CEBPA is on the minus strand). VCF-style: chr19-33301613-C-A. GRCh37 (hg19) VCF-style: chr19-33792519-C-A.
Other names: c.802G>T (NM_004364.3); c.445G>T, p.Gly149Cys (NM_001285829.2); c.907G>T, p.Gly303Cys (NM_001287424.2); c.760G>T, p.Gly254Cys (NM_001287435.2); short protein forms G268C, G149C, G254C, G303C.
Identifiers: ClinVar variation 574746 (VCV000574746.12), dbSNP rs1568419433, ClinGen allele CA405274183.

ClinVar aggregate classification (germline): Uncertain significance. Review status: criteria provided, multiple submitters, no conflicts (2 of 4 stars). 2 submissions from 2 submitters: Uncertain significance (2). Last evaluated 2024-11-21.

Conditions:
Acute myeloid leukemia (AML). Also called: Leukemia, acute myeloid, somatic; Leukemia, acute myelogenous, somatic; Acute myeloid leukemia, adult; AML adult; Acute non-lymphocytic leukemia; Acute granulocytic leukemia. Identifiers: Orphanet 519, MedGen C0023467, MeSH D015470, MONDO:0018874, OMIM 601626, HP:0004808. Disease mechanism: Constitutively activated FLT3.
Inborn genetic diseases. Identifiers: MedGen C0950123, MeSH D030342.

Allele frequency attached by ClinVar (database versions not stated): TOPMed below 0.00001.
gnomAD v4.1: 2 of 1,593,778 alleles (0.00013%); highest among the groups gnomAD compares: Middle Eastern, 0.017%; no homozygotes.

Submissions (2):

Ambry Genetics
Classification: Uncertain significance for Inborn genetic diseases. Last evaluated: 2024-11-21. Review status: criteria provided, single submitter. Criteria: Ambry Variant Classification Scheme 2023. Collection method: clinical testing. Allele origin: germline.
Comment: The p.G268C variant (also known as c.802G>T), located in coding exon 1 of the CEBPA gene, results from a G to T substitution at nucleotide position 802. The glycine at codon 268 is replaced by cysteine, an amino acid with highly dissimilar properties. This amino acid position is conserved. In addition, this alteration is predicted to be tolerated by in silico analysis. Based on the available evidence, the clinical significance of this variant remains unclear.

Labcorp Genetics (formerly Invitae), Labcorp
Classification: Uncertain significance for Acute myeloid leukemia. Last evaluated: 2023-06-20. Review status: criteria provided, single submitter. Criteria: Invitae Variant Classification Sherloc (09022015). Collection method: clinical testing. Allele origin: germline.
Comment: ClinVar contains an entry for this variant (Variation ID: 574746). This sequence change replaces glycine, which is neutral and non-polar, with cysteine, which is neutral and slightly polar, at codon 268 of the CEBPA protein (p.Gly268Cys). This variant is not present in population databases (gnomAD no frequency). This variant has not been reported in the literature in individuals affected with CEBPA-related conditions. Advanced modeling of protein sequence and biophysical properties (such as structural, functional, and spatial information, amino acid conservation, physicochemical variation, residue mobility, and thermodynamic stability) performed at Invitae indicates that this missense variant is not expected to disrupt CEBPA protein function. In summary, the available evidence is currently insufficient to determine the role of this variant in disease. Therefore, it has been classified as a Variant of Uncertain Significance.